The following is an entry in ClinVar:

ClinVar aggregate classification (germline): Uncertain significance (1 of 4 stars; one submission).

Submission:

CeGaT Center for Human Genetics Tuebingen
Classification: Uncertain significance. Last evaluated: 2026-08-01. Review status: criteria provided, single submitter. Criteria: CeGaT Center For Human Genetics Tuebingen Variant Classification Criteria Version 2. Collection method: clinical testing. Allele origin: germline. Affected: yes. Observed: 1 variant allele.
Comment: CHRNA2: PM2

NM_000742.4(CHRNA2):c.358C>G (p.Leu120Val)

Gene: CHRNA2 (cholinergic receptor nicotinic alpha 2 subunit; minus strand). Cytogenetic location: 8p21.2.
Variant type: single nucleotide variant.
Coding change: c.358C>G on transcript NM_000742.4 (MANE Select); coding-DNA position 358, C replaced by G.
Protein change: p.Leu120Val; replaces leucine 120 with valine.
Molecular consequence: missense variant. On other transcripts: 5 prime UTR variant (4).
Genome position (GRCh38, 1-based): chr8:27,467,320, G>C on the plus strand (C>G on the coding strand, the complement: CHRNA2 is on the minus strand). VCF-style: chr8-27467320-G-C. GRCh37 (hg19) VCF-style: chr8-27324837-G-C.
Other names: c.313C>G, p.Leu105Val (NM_001282455.2); c.-115C>G (NM_001347705.2, NM_001347706.2); c.-101C>G (NM_001347707.2); c.-104C>G (NM_001347708.2); short protein forms L105V, L120V.
Identifiers: ClinVar variation 5038646 (VCV005038646.1).
Genomic context (GRCh38, chr8:27,467,320, plus strand): 5'-TCATCTCAGAAGGGACCCTGAGAGATGTGATGTTGCCAAAATCAGTGGGGTTCCAGCGCA[G>C]TTTGTAGTCGCTCCACTCCTGTGTGTGGGGAAGGAGTTGTGTCAACCTCGCTTCCAGGGA-3'
Protein context (NP_000733.2, residues 110-130): WLKQEWSDYK[Leu120Val]RWNPTDFGNI